The following is an entry in ClinVar:

ClinVar aggregate classification (germline): Likely benign (1 of 4 stars; one submission).

Allele frequency attached by ClinVar (database versions not stated): ExAC 0.00048; gnomAD 0.00097; ESP Exome Variant Server 0.00137.
gnomAD v4.1: 441 of 1,563,524 alleles (0.028%); highest among the groups gnomAD compares: African/African-American, 0.33%; 2 homozygotes.

Submission:

CeGaT Center for Human Genetics Tuebingen
Classification: Likely benign. Last evaluated: 2022-12-01. Review status: criteria provided, single submitter. Criteria: CeGaT Center For Human Genetics Tuebingen Variant Classification Criteria Version 2. Collection method: clinical testing. Allele origin: germline. Affected: yes. Observed: 1 variant allele.
Comment: KRTAP10-6: BP4, BS2; TSPEAR: BS2

NM_198688.3(KRTAP10-6):c.331G>A (p.Val111Met)

Genes: KRTAP10-6 (keratin associated protein 10-6; minus strand), TSPEAR (thrombospondin type laminin G domain and EAR repeats; minus strand). Cytogenetic location: 21q22.3.
Variant type: single nucleotide variant.
Coding change: c.331G>A on transcript NM_198688.3 (MANE Select); coding-DNA position 331, G replaced by A.
Protein change: p.Val111Met; replaces valine 111 with methionine.
Molecular consequence: missense variant. On other transcripts: intron variant (2).
Genome position (GRCh38, 1-based): chr21:44,592,154, C>T on the plus strand (G>A on the coding strand, the complement: KRTAP10-6 is on the minus strand). VCF-style: chr21-44592154-C-T. GRCh37 (hg19) VCF-style: chr21-46012035-C-T.
Other names: c.83-24149G>A (NM_144991.3); c.-122-24149G>A (NM_001272037.2); short protein forms V111M.
Identifiers: ClinVar variation 2652768 (VCV002652768.24), dbSNP rs200214979, ClinGen allele CA10059106.
Genomic context (GRCh38, chr21:44,592,154, plus strand): 5'-CACAGCAGACGGACACACAGCACACAGGCTTGCAGCAGACAGTCTTGCAGCAGACGGGCA[C>T]GCAGCAGGCCTGCTGGCAGGGGGAGGAGGCACAGCAAGCCAGCTGGCAGCTAGACTGCTG-3'
Protein context (NP_941961.3, residues 101-121): ASSPCQQACC[Val111Met]PVCCKTVCCK